The following is an entry in ClinVar:

ClinVar aggregate classification (germline): Likely benign. Review status: criteria provided, multiple submitters, no conflicts (2 of 4 stars). 3 submissions from 3 submitters: Likely benign (2). 1 of the submissions does not count toward it. Last evaluated 2026-01-15.

Conditions:
Inborn genetic diseases. Identifiers: MedGen C0950123, MeSH D030342.
KMT2E-related disorder. Also called: KMT2E-related condition.

Allele frequency attached by ClinVar (database versions not stated): ExAC 0.00013; gnomAD exomes 0.00015; ESP Exome Variant Server 0.00039; 1000 Genomes Project 0.00040; gnomAD 0.00046; TOPMed 0.00047; 1000 Genomes Project 30x 0.00062.
gnomAD v4.1: 271 of 1,554,826 alleles (0.017%); highest among the groups gnomAD compares: East Asian, 0.27%; no homozygotes.

Submissions (3):

Labcorp Genetics (formerly Invitae), Labcorp
Classification: Likely benign. Last evaluated: 2026-01-15. Review status: criteria provided, single submitter. Criteria: Invitae Variant Classification Sherloc (09022015). Collection method: clinical testing. Allele origin: germline.

Ambry Genetics
Classification: Likely benign for Inborn genetic diseases. Last evaluated: 2024-06-14. Review status: criteria provided, single submitter. Criteria: Ambry Variant Classification Scheme 2023. Collection method: clinical testing. Allele origin: germline.

PreventionGenetics, part of Exact Sciences
Classification: Likely benign for KMT2E-related condition. Last evaluated: 2022-04-19. Review status: no assertion criteria provided. Collection method: clinical testing. Allele origin: germline. Not counted in ClinVar's aggregate classification.
Comment: This variant is classified as likely benign based on ACMG/AMP sequence variant interpretation guidelines (Richards et al. 2015 PMID: 25741868, with internal and published modifications).

NM_182931.3(KMT2E):c.2887C>T (p.Arg963Cys)

Gene: KMT2E (lysine methyltransferase 2E (inactive); plus strand). Cytogenetic location: 7q22.3.
Variant type: single nucleotide variant.
Coding change: c.2887C>T on transcript NM_182931.3 (MANE Select); coding-DNA position 2887, C replaced by T.
Protein change: p.Arg963Cys; replaces arginine 963 with cysteine.
Molecular consequence: missense variant.
Genome position (GRCh38, 1-based): chr7:105,107,205, C>T. VCF-style: chr7-105107205-C-T. GRCh37 (hg19) VCF-style: chr7-104747652-C-T.
Other names: c.2887C>T (NM_182931.2); c.2887C>T, p.Arg963Cys (NM_001410908.1, NM_018682.4); short protein forms R963C.
Identifiers: ClinVar variation 2084890 (VCV002084890.7), dbSNP rs375398229, ClinGen allele CA4424337.